The following is an entry in ClinVar:

ClinVar aggregate classification (germline): Conflicting classifications of pathogenicity. Review status: criteria provided, conflicting classifications (1 of 4 stars). 3 submissions from 3 submitters: Likely pathogenic (1); Uncertain significance (2). Last evaluated 2026-06-01.

Conditions:
Mucopolysaccharidosis, MPS-IV-A (MPS4A). Also called: mucopolysaccharidosis type 4A; GALACTOSAMINE-6-SULFATASE DEFICIENCY; GALNS DEFICIENCY; MPS IVA; Mucopolysaccharidosis type IV A; MORQUIO SYNDROME A. Identifiers: Orphanet 309297, Orphanet 582, MedGen C0086651, MONDO:0009659, OMIM 253000.

Submissions (3):

CeGaT Center for Human Genetics Tuebingen
Classification: Likely pathogenic. Last evaluated: 2026-06-01. Review status: criteria provided, single submitter. Criteria: CeGaT Center For Human Genetics Tuebingen Variant Classification Criteria Version 2. Collection method: clinical testing. Allele origin: germline. Affected: yes. Observed: 2 variant alleles.
Comment: GALNS: PM2, PM3, PP3, PP4

Women's Health and Genetics/Laboratory Corporation of America, LabCorp
Classification: Uncertain significance. Last evaluated: 2024-10-10. Review status: criteria provided, single submitter. Criteria: LabCorp Variant Classification Summary - May 2015. Collection method: clinical testing. Allele origin: germline.
Comment: Variant summary: GALNS c.422+2dupT alters a conserved nucleotide located close to a canonical splice site and therefore could affect mRNA splicing, leading to a significantly altered protein sequence. Several computational tools predict a significant impact on normal splicing: Four predict the variant abolishes a 5' splicing donor site. However, these predictions have yet to be confirmed by functional studies. The variant was absent in 251020 control chromosomes (gnomAD). c.422+2dupT (also known as c.422+2_+3insT in the literature) has been reported in the literature in two siblings affected with severe Mucopolysaccharidosis Type IVA (Morquio Syndrome A) phenotype (example: Dung_2013). These data indicate that the variant may be associated with disease. To our knowledge, no experimental evidence demonstrating an impact on protein function has been reported. The following publication has been ascertained in the context of this evaluation (PMID: 23876334). ClinVar contains an entry for this variant (Variation ID: 1048401). Based on the evidence outlined above, the variant was classified as VUS-possibly pathogenic.

Laboratory of Diagnosis and Therapy of Lysosomal Disorders, University of Padova
Classification: Uncertain significance for Mucopolysaccharidosis, MPS-IV-A. Last evaluated: 2021-02-01. Review status: criteria provided, single submitter. Criteria: ACMG Guidelines, 2015. Collection method: curation. Allele origin: germline. Affected: yes.
Comment: Absent from gnomAD v2.1.1 (PM2_moderate)

Literature cited by the submitters: PubMed 23876334 (cited by Women's Health and Genetics/Laboratory Corporation of America, LabCorp and Laboratory of Diagnosis and Therapy of Lysosomal Disorders, University of Padova); PubMed 34387910 (cited by Laboratory of Diagnosis and Therapy of Lysosomal Disorders, University of Padova).

NM_000512.5(GALNS):c.422+2dup

Gene: GALNS (galactosamine (N-acetyl)-6-sulfatase; minus strand). Cytogenetic location: 16q24.3.
Variant type: Duplication.
Coding change: c.422+2dup on transcript NM_000512.5 (MANE Select); the canonical splice donor site of the intron after coding-DNA position 422, one base duplicated (T; older notation c.422+2dupT).
Molecular consequence: splice donor variant.
Genome position (GRCh38, 1-based): chr16:88,840,990, A duplicated on the plus strand (T on the coding strand, the reverse complement: GALNS is on the minus strand). VCF-style (leftmost placement, unchanged base first): chr16-88840989-T-TA. GRCh37 (hg19) VCF-style: chr16-88907397-T-TA.
Other names: c.-134+2dup (NM_001323543.2); c.422+2dupT (NM_000512.5); c.440+2dup (NM_001323544.2).
Identifiers: ClinVar variation 1048401 (VCV001048401.6), dbSNP rs2143004586, ClinGen allele CA915940942.